The following is an entry in ClinVar:

ClinVar aggregate classification (germline): Pathogenic/Likely pathogenic. Review status: criteria provided, multiple submitters, no conflicts (2 of 4 stars). 3 submissions from 3 submitters: Pathogenic (1); Likely pathogenic (2). Last evaluated 2023-08-10.

Conditions:
Wolcott-Rallison dysplasia. Also called: MED-IDDM SYNDROME; Wolcott-Rallison syndrome. Identifiers: Orphanet 1667, MedGen C0432217, MONDO:0009192, OMIM 226980.
EIF2AK3-related disorders.

Submissions (3):

Blueprint Genetics
Classification: Likely pathogenic for EIF2AK3-related disorders. Last evaluated: 2023-08-10. Review status: criteria provided, single submitter. Criteria: ACMG Guidelines, 2015. Collection method: clinical testing. Allele origin: germline. Affected: yes. Observed: 1 variant allele.

Baylor Genetics
Classification: Likely pathogenic for Wolcott-Rallison dysplasia. Last evaluated: 2023-02-24. Review status: criteria provided, single submitter. Criteria: ACMG Guidelines, 2015. Collection method: clinical testing. Allele origin: unknown.

Labcorp Genetics (formerly Invitae), Labcorp
Classification: Pathogenic. Last evaluated: 2023-01-21. Review status: criteria provided, single submitter. Criteria: Invitae Variant Classification Sherloc (09022015). Collection method: clinical testing. Allele origin: germline.
Comment: This variant is not present in population databases (gnomAD no frequency). This sequence change creates a premature translational stop signal (p.Glu710*) in the EIF2AK3 gene. It is expected to result in an absent or disrupted protein product. Loss-of-function variants in EIF2AK3 are known to be pathogenic (PMID: 11997520). This variant has not been reported in the literature in individuals affected with EIF2AK3-related conditions. For these reasons, this variant has been classified as Pathogenic.

Literature cited by the submitters: PubMed 11997520 (cited by Labcorp Genetics (formerly Invitae), Labcorp).

NM_004836.7(EIF2AK3):c.2128G>T (p.Glu710Ter)

Genes: EIF2AK3 (eukaryotic translation initiation factor 2 alpha kinase 3; minus strand), EIF2AK3-AS1 (EIF2AK3 antisense RNA 1; plus strand). Cytogenetic location: 2p11.2.
Variant type: single nucleotide variant.
Coding change: c.2128G>T on transcript NM_004836.7 (MANE Select); coding-DNA position 2128, G replaced by T.
Protein change: p.Glu710Ter; replaces glutamic acid 710 with a stop codon.
Molecular consequence: nonsense. On other transcripts: non-coding transcript variant (1).
Genome position (GRCh38, 1-based): chr2:88,575,355, C>A on the plus strand (G>T on the coding strand, the complement: EIF2AK3 is on the minus strand). VCF-style: chr2-88575355-C-A. GRCh37 (hg19) VCF-style: chr2-88874873-C-A.
Other names: c.1675G>T, p.Glu559Ter (NM_001313915.2); short protein forms E559*, E710*.
Identifiers: ClinVar variation 2675016 (VCV002675016.5), dbSNP rs1674430442, ClinGen allele CA347592794.